The following is an entry in ClinVar:

ClinVar aggregate classification (germline): Likely benign (1 of 4 stars; one submission).

Conditions:
INPP5E-related disorder. Also called: INPP5E-related condition.

gnomAD v4.1: 1 of 1,539,054 alleles (0.000065%); highest among the groups gnomAD compares: African/African-American, 0.0014%; no homozygotes.

Submission:

PreventionGenetics, part of Exact Sciences
Classification: Likely benign for INPP5E-related condition. Last evaluated: 2025-01-19. Review status: criteria provided, single submitter. Criteria: ACMG Guidelines, 2015. Collection method: clinical testing. Allele origin: germline.
Comment: This variant is classified as likely benign based on ACMG/AMP sequence variant interpretation guidelines (Richards et al. 2015 PMID: 25741868, with internal and published modifications).

NM_019892.6(INPP5E):c.210C>A (p.Ile70=)

Gene: INPP5E (inositol polyphosphate-5-phosphatase E; minus strand). Cytogenetic location: 9q34.3.
Variant type: single nucleotide variant.
Coding change: c.210C>A on transcript NM_019892.6 (MANE Select); coding-DNA position 210, C replaced by A.
Protein change: p.Ile70=; no amino-acid change (isoleucine 70 retained).
Molecular consequence: synonymous variant.
Genome position (GRCh38, 1-based): chr9:136,439,210, G>T on the plus strand (C>A on the coding strand, the complement: INPP5E is on the minus strand). VCF-style: chr9-136439210-G-T. GRCh37 (hg19) VCF-style: chr9-139333662-G-T.
Other names: c.210C>A, p.Ile70= (NM_001318502.2).
Identifiers: ClinVar variation 4978971 (VCV004978971.1).